The following is an entry in ClinVar:

NM_001271.4(CHD2):c.2810A>C (p.His937Pro)

Gene: CHD2 (chromodomain helicase DNA binding protein 2; plus strand). Cytogenetic location: 15q26.1.
Variant type: single nucleotide variant.
Coding change: c.2810A>C on transcript NM_001271.4 (MANE Select); coding-DNA position 2810, A replaced by C.
Protein change: p.His937Pro; replaces histidine 937 with proline.
Molecular consequence: missense variant.
Genome position (GRCh38, 1-based): chr15:92,979,217, A>C. VCF-style: chr15-92979217-A-C. GRCh37 (hg19) VCF-style: chr15-93522447-A-C.
Other names: short protein forms H937P.
Identifiers: ClinVar variation 839993 (VCV000839993.12), dbSNP rs2053946385, ClinGen allele CA393894188.

ClinVar aggregate classification (germline): Uncertain significance (1 of 4 stars; one submission).

Conditions:
Developmental and epileptic encephalopathy 94 (DEE94). Also called: Epileptic encephalopathy, childhood-onset; CHD2-Related Neurodevelopmental Disorders. Identifiers: Orphanet 1942, Orphanet 2382, MedGen C3809278, MONDO:0014150, OMIM 615369.

Submission:

Labcorp Genetics (formerly Invitae), Labcorp
Classification: Uncertain significance for Developmental and epileptic encephalopathy 94. Last evaluated: 2019-12-15. Review status: criteria provided, single submitter. Criteria: Invitae Variant Classification Sherloc (09022015). Collection method: clinical testing. Allele origin: germline.
Comment: Algorithms developed to predict the effect of missense changes on protein structure and function (SIFT, PolyPhen-2, Align-GVGD) all suggest that this variant is likely to be disruptive, but these predictions have not been confirmed by published functional studies and their clinical significance is uncertain. This variant has not been reported in the literature in individuals with CHD2-related conditions. This variant is not present in population databases (ExAC no frequency). This sequence change replaces histidine with proline at codon 937 of the CHD2 protein (p.His937Pro). The histidine residue is highly conserved and there is a moderate physicochemical difference between histidine and proline. In summary, the available evidence is currently insufficient to determine the role of this variant in disease. Therefore, it has been classified as a Variant of Uncertain Significance.